The following is an entry in ClinVar:

ClinVar aggregate classification (germline): Uncertain significance (1 of 4 stars; one submission).

Submission:

Labcorp Genetics (formerly Invitae), Labcorp
Classification: Uncertain significance. Last evaluated: 2021-02-19. Review status: criteria provided, single submitter. Criteria: Invitae Variant Classification Sherloc (09022015). Collection method: clinical testing. Allele origin: germline.
Comment: In summary, the available evidence is currently insufficient to determine the role of this variant in disease. Therefore, it has been classified as a Variant of Uncertain Significance. Algorithms developed to predict the effect of missense changes on protein structure and function are either unavailable or do not agree on the potential impact of this missense change (SIFT: "Not Available"; PolyPhen-2: "Benign"; Align-GVGD: "Not Available"). This variant has not been reported in the literature in individuals with MTOR-related conditions. The frequency data for this variant in the population databases is not available, as this variant may be reported as separate entries in the ExAC database. This sequence change replaces threonine with lysine at codon 15 of the MTOR protein (p.Thr15Lys). The threonine residue is moderately conserved and there is a moderate physicochemical difference between threonine and lysine.

NM_004958.4(MTOR):c.44_45delinsAG (p.Thr15Lys)

Gene: MTOR (mechanistic target of rapamycin kinase; minus strand). Cytogenetic location: 1p36.22.
Variant type: Indel.
Coding change: c.44_45delinsAG on transcript NM_004958.4 (MANE Select); coding-DNA positions 44 to 45, CA replaced by AG.
Protein change: p.Thr15Lys; replaces threonine 15 with lysine.
Molecular consequence: missense variant. On other transcripts: 5 prime UTR variant (1).
Genome position (GRCh38, 1-based): chr1:11,259,365-11,259,366, TG replaced by CT on the plus strand (CA replaced by AG on the coding strand, the reverse complement: MTOR is on the minus strand). VCF-style: chr1-11259365-TG-CT. GRCh37 (hg19) VCF-style: chr1-11319422-TG-CT.
Other names: c.44_45delinsAG, p.Thr15Lys (NM_001386500.1); c.-1096_-1095delinsAG (NM_001386501.1); short protein forms T15K.
Identifiers: ClinVar variation 1413843 (VCV001413843.6), dbSNP rs2100986504, ClinGen allele CA2573130714.
Genomic context (GRCh38, chr1:11,259,365, plus strand): 5'-TTCCTCATTCCGGCTCTTTAGGCCACTGGCAAACTGCTGCAGGACGCTCACATTGCTAGA[TG>CT]TGGTGGCAGCGGTGGTGGCGGCGGCAGGTCCGGTTCCAAGCATCTTGCCCTGAGGTTCTT-3'
Protein context (NP_004949.1, residues 5-25): GPAAATTAAT[Thr15Lys]SSNVSVLQQF